The following is an entry in ClinVar:

ClinVar aggregate classification (germline): Uncertain significance. Review status: criteria provided, multiple submitters, no conflicts (2 of 4 stars). 3 submissions from 3 submitters: Uncertain significance (2). 1 of the submissions does not count toward it. Last evaluated 2025-05-25.

Conditions:
Osteogenesis imperfecta type 8 (OI8). Identifiers: MedGen C1970458, MONDO:0012581, OMIM 610915.
P3H1-related disorder. Also called: P3H1-related condition.
Inborn genetic diseases. Identifiers: MedGen C0950123, MeSH D030342.

Allele frequency attached by ClinVar (database versions not stated): ExAC below 0.00001; gnomAD 0.00001 and 0.00002; gnomAD exomes 0.00001 and 0.00008; TOPMed 0.00003; 1000 Genomes Project 30x 0.00016.

Submissions (3):

Ambry Genetics
Classification: Uncertain significance for Inborn genetic diseases. Last evaluated: 2025-05-25. Review status: criteria provided, single submitter. Criteria: Ambry Variant Classification Scheme 2023. Collection method: clinical testing. Allele origin: germline.

Labcorp Genetics (formerly Invitae), Labcorp
Classification: Uncertain significance for Osteogenesis imperfecta type 8. Last evaluated: 2021-08-30. Review status: criteria provided, single submitter. Criteria: Invitae Variant Classification Sherloc (09022015). Collection method: clinical testing. Allele origin: germline.
Comment: This sequence change replaces proline with glutamine at codon 95 of the P3H1 protein (p.Pro95Gln). The proline residue is moderately conserved and there is a moderate physicochemical difference between proline and glutamine. The frequency data for this variant in the population databases is considered unreliable, as metrics indicate poor data quality at this position in the ExAC database. This variant has not been reported in the literature in individuals affected with P3H1-related conditions. Algorithms developed to predict the effect of missense changes on protein structure and function are either unavailable or do not agree on the potential impact of this missense change (SIFT: "Deleterious"; PolyPhen-2: "Benign"; Align-GVGD: "Class C0"). Algorithms developed to predict the effect of sequence changes on RNA splicing suggest that this variant may create or strengthen a splice site. In summary, the available evidence is currently insufficient to determine the role of this variant in disease. Therefore, it has been classified as a Variant of Uncertain Significance.

PreventionGenetics, part of Exact Sciences
Classification: Uncertain significance for P3H1-related condition. Last evaluated: 2024-04-11. Review status: no assertion criteria provided. Collection method: clinical testing. Allele origin: germline. Not counted in ClinVar's aggregate classification.
Comment: The P3H1 c.284C>A variant is predicted to result in the amino acid substitution p.Pro95Gln. To our knowledge, this variant has not been reported in the literature. This variant is reported in 0.10% of alleles in individuals of East Asian descent in gnomAD. Although we suspect that this variant may be benign, at this time, the clinical significance of this variant is uncertain due to the absence of conclusive functional and genetic evidence.

NM_022356.4(P3H1):c.284C>A (p.Pro95Gln)

Genes: P3H1 (prolyl 3-hydroxylase 1; minus strand), LOC129930352 (ATAC-STARR-seq lymphoblastoid silent region 767; plus strand). Cytogenetic location: 1p34.2.
Variant type: single nucleotide variant.
Coding change: c.284C>A on transcript NM_022356.4 (MANE Select); coding-DNA position 284, C replaced by A.
Protein change: p.Pro95Gln; replaces proline 95 with glutamine.
Molecular consequence: missense variant.
Genome position (GRCh38, 1-based): chr1:42,766,688, G>T on the plus strand (C>A on the coding strand, the complement: P3H1 is on the minus strand). VCF-style: chr1-42766688-G-T. GRCh37 (hg19) VCF-style: chr1-43232359-G-T.
Other names: c.284C>A, p.Pro95Gln (NM_001146289.2, NM_001243246.2); short protein forms P95Q.
Identifiers: ClinVar variation 659383 (VCV000659383.5), dbSNP rs765045278, ClinGen allele CA802206.
Genomic context (GRCh38, chr1:42,766,688, plus strand): 5'-CGCAGAAGGCCCCCGAAGAAGCTCAGGTCGCGCAGGGCGGCGGCGCCCGAGGCCTGGGCC[G>T]GGCTGGGGGACCAGTCGGGGTCCAGCTCCCACGGGAAGTCGGCGGCACACTGGGTGCGGC-3'
Protein context (NP_071751.3, residues 85-105): WELDPDWSPS[Pro95Gln]AQASGAAALR